The following is an entry in ClinVar:

NM_006218.4(PIK3CA):c.2422C>T (p.Arg808Trp)

Gene: PIK3CA (phosphatidylinositol-4,5-bisphosphate 3-kinase catalytic subunit alpha; plus strand). Cytogenetic location: 3q26.32.
Variant type: single nucleotide variant.
Coding change: c.2422C>T on transcript NM_006218.4 (MANE Select); coding-DNA position 2422, C replaced by T.
Protein change: p.Arg808Trp; replaces arginine 808 with tryptophan.
Molecular consequence: missense variant.
Genome position (GRCh38, 1-based): chr3:179,225,967, C>T. VCF-style: chr3-179225967-C-T. GRCh37 (hg19) VCF-style: chr3-178943755-C-T.
Other names: c.2422C>T (LRG_310t1); short protein forms R808W.
Identifiers: ClinVar variation 403912 (VCV000403912.10), dbSNP rs200671228, ClinGen allele CA16611302.
Genomic context (GRCh38, chr3:179,225,967, plus strand): 5'-TCCCCAAATTTGCATCTGTGGCATTAAATGGTGATACATATTATTTGAATTTCAGATTTA[C>T]GGCAAGATATGCTAACACTTCAAATTATTCGTATTATGGAAAATATCTGGCAAAATCAAG-3'
Protein context (NP_006209.2, residues 798-818): EIIFKNGDDL[Arg808Trp]QDMLTLQIIR

ClinVar aggregate classification (germline): Uncertain significance. Review status: criteria provided, multiple submitters, no conflicts (2 of 4 stars). 2 submissions from 2 submitters: Uncertain significance (2). Last evaluated 2024-09-02.

Conditions:
Inborn genetic diseases. Identifiers: MedGen C0950123, MeSH D030342.
Cowden syndrome (CS). Also called: Cowden's disease; Cowden's syndrome; Cowden disease. Identifiers: Orphanet 201, MedGen C0018553, MONDO:0016063. Disease mechanism: gain of function.

Allele frequency attached by ClinVar (database versions not stated): gnomAD exomes below 0.00001 and 0.00002; gnomAD 0.00001; TOPMed 0.00002.
gnomAD v4.1: 24 of 1,550,246 alleles (0.0015%); highest among the groups gnomAD compares: Non-Finnish European, 0.0019%; no homozygotes.

Submissions (2):

Labcorp Genetics (formerly Invitae), Labcorp
Classification: Uncertain significance for Cowden syndrome. Last evaluated: 2024-09-02. Review status: criteria provided, single submitter. Criteria: Invitae Variant Classification Sherloc (09022015). Collection method: clinical testing. Allele origin: germline.
Comment: This sequence change replaces arginine, which is basic and polar, with tryptophan, which is neutral and slightly polar, at codon 808 of the PIK3CA protein (p.Arg808Trp). The frequency data for this variant in the population databases is considered unreliable, as metrics indicate poor data quality at this position in the gnomAD database. This variant has not been reported in the literature in individuals affected with PIK3CA-related conditions. ClinVar contains an entry for this variant (Variation ID: 403912). Invitae Evidence Modeling of protein sequence and biophysical properties (such as structural, functional, and spatial information, amino acid conservation, physicochemical variation, residue mobility, and thermodynamic stability) has been performed for this missense variant. However, the output from this modeling did not meet the statistical confidence thresholds required to predict the impact of this variant on PIK3CA protein function. Algorithms developed to predict the effect of sequence changes on RNA splicing suggest that this variant may disrupt the consensus splice site. In summary, the available evidence is currently insufficient to determine the role of this variant in disease. Therefore, it has been classified as a Variant of Uncertain Significance.

Ambry Genetics
Classification: Uncertain significance for Inborn genetic diseases. Last evaluated: 2023-01-11. Review status: criteria provided, single submitter. Criteria: Ambry Variant Classification Scheme 2023. Collection method: clinical testing. Allele origin: germline.